The following is an entry in ClinVar:

ClinVar aggregate classification (germline): Uncertain significance. Review status: criteria provided, multiple submitters, no conflicts (2 of 4 stars). 2 submissions from 2 submitters: Uncertain significance (2). Last evaluated 2025-06-08.

Conditions:
Congenital myotonia, autosomal recessive form. Also called: BECKER DISEASE; Becker Generalized Myotonia; myotonia congenita, autosomal recessive. Identifiers: Orphanet 614, MedGen C0751360, MONDO:0009715, OMIM 255700.
Congenital myotonia, autosomal dominant form (THD). Also called: THOMSEN DISEASE; Myotonia congenita autosomal dominant. Identifiers: Orphanet 614, MedGen C2936781, MONDO:0008055, OMIM 160800.
Inborn genetic diseases. Identifiers: MedGen C0950123, MeSH D030342.

Allele frequency attached by ClinVar (database versions not stated): gnomAD exomes 0.00002.
gnomAD v4.1: 28 of 1,613,056 alleles (0.0017%); highest among the groups gnomAD compares: Non-Finnish European, 0.0024%; no homozygotes.

Submissions (2):

Ambry Genetics
Classification: Uncertain significance for Inborn genetic diseases. Last evaluated: 2025-06-08. Review status: criteria provided, single submitter. Criteria: Ambry Variant Classification Scheme 2023. Collection method: clinical testing. Allele origin: germline.

Labcorp Genetics (formerly Invitae), Labcorp
Classification: Uncertain significance for Congenital myotonia, autosomal recessive form; Congenital myotonia, autosomal dominant form. Last evaluated: 2023-12-14. Review status: criteria provided, single submitter. Criteria: Invitae Variant Classification Sherloc (09022015). Collection method: clinical testing. Allele origin: germline.
Comment: This sequence change replaces aspartic acid, which is acidic and polar, with alanine, which is neutral and non-polar, at codon 982 of the CLCN1 protein (p.Asp982Ala). This variant is not present in population databases (gnomAD no frequency). This variant has not been reported in the literature in individuals affected with CLCN1-related conditions. ClinVar contains an entry for this variant (Variation ID: 1923403). Advanced modeling of protein sequence and biophysical properties (such as structural, functional, and spatial information, amino acid conservation, physicochemical variation, residue mobility, and thermodynamic stability) performed at Invitae indicates that this missense variant is not expected to disrupt CLCN1 protein function with a negative predictive value of 95%. In summary, the available evidence is currently insufficient to determine the role of this variant in disease. Therefore, it has been classified as a Variant of Uncertain Significance.

NM_000083.3(CLCN1):c.2945A>C (p.Asp982Ala)

Gene: CLCN1 (chloride voltage-gated channel 1; plus strand). Cytogenetic location: 7q34.
Variant type: single nucleotide variant.
Coding change: c.2945A>C on transcript NM_000083.3 (MANE Select); coding-DNA position 2945, A replaced by C.
Protein change: p.Asp982Ala; replaces aspartic acid 982 with alanine.
Molecular consequence: missense variant. On other transcripts: non-coding transcript variant (1).
Genome position (GRCh38, 1-based): chr7:143,351,943, A>C. VCF-style: chr7-143351943-A-C. GRCh37 (hg19) VCF-style: chr7-143049036-A-C.
Other names: c.2945A>C (NM_000083.2); short protein forms D982A.
Identifiers: ClinVar variation 1923403 (VCV001923403.6), dbSNP rs1803425059, ClinGen allele CA369654302.